The following is an entry in ClinVar:

ClinVar aggregate classification (germline): Conflicting classifications of pathogenicity. Review status: criteria provided, conflicting classifications (1 of 4 stars). 10 submissions from 10 submitters: Pathogenic (2); Likely pathogenic (3); Uncertain significance (5). Last evaluated 2026-01-15.

Conditions:
Inborn genetic diseases. Identifiers: MedGen C0950123, MeSH D030342.
AP2S1-related disorder. Also called: AP2S1-related condition.
Delayed speech and language development. Also called: Language delay. Identifiers: MedGen C0454644, HP:0000750.
Motor delay. Also called: Motor Developmental Delay; Motor retardation. Identifiers: MedGen C1854301, HP:0001270.
Autism (AUTS). Also called: Autistic disorder of childhood onset; Autistic disorder. Identifiers: MedGen C0004352, MeSH D001321, MONDO:0005260, OMIM 209850, HP:0000717.
Seizure. Also called: Seizures. Identifiers: MedGen C0036572, HP:0001250.
Neurodevelopmental disorder. Identifiers: MedGen C1535926, MeSH D065886, MONDO:0700092.
AP2S1-associated neurodevelopmental disease.
Familial hypocalciuric hypercalcemia 3. Also called: Hypocalciuric hypercalcemia, familial, type III; Hypocalciuric hypercalcemia, type III; FAMILIAL BENIGN HYPERCALCEMIA, TYPE III; HYPERCALCEMIA, FAMILIAL BENIGN, OKLAHOMA TYPE. Identifiers: Orphanet 101050, Orphanet 405, MedGen C1833372, MONDO:0010926, OMIM 600740.

Submissions (10):

Clinical Genetics Laboratory, Skane University Hospital Lund
Classification: Pathogenic for Seizure; Delayed speech and language development; Motor delay; Autism. Last evaluated: 2026-01-15. Review status: criteria provided, single submitter. Criteria: ACMG Guidelines, 2015. Collection method: clinical testing. Allele origin: de novo. Inheritance: Autosomal dominant inheritance. Affected: yes.
Comment: ACMG criteria used: PS2, PS3_Supporting, PS4, PM2

GeneDx
Classification: Uncertain significance. Last evaluated: 2025-07-13. Review status: criteria provided, single submitter. Criteria: GeneDx Variant Classification Process June 2021. Collection method: clinical testing. Allele origin: germline. Affected: yes.
Comment: Reported as de novo in patients in published literature from cohorts of individuals with autism spectrum disorder and developmental disorders; however, detailed clinical information was not provided (PMID: 31981491, 33057194); Identified as de novo in multiple individuals with neurodevelopmental disorders in the literature; however, this publication has not been published in a peer-reviewed journal (Stevenson et. al., 2024); In silico analysis supports that this missense variant has a deleterious effect on protein structure/function; Not observed at significant frequency in large population cohorts (gnomAD); This variant is associated with the following publications: (PMID: 35982160, 35982159, 33057194, 31981491, Stevenson2024[CaseReport])

3billion
Classification: Likely pathogenic for AP2S1-related disorder. Last evaluated: 2025-07-09. Review status: criteria provided, single submitter. Criteria: ACMG Guidelines, 2015. Collection method: clinical testing. Allele origin: germline. Affected: yes.
Comment: The variant is not observed in the gnomAD v4.1.0 dataset. Predicted Consequence/Location: Missense variant. Missense changes are a common disease-causing mechanism. In silico tool predictions suggest damaging effect of the variant on gene or gene product [3Cnet: 0.99 (> 0.75, sensitivity 0.96 and precision 0.92)]. The same nucleotide change resulting in the same amino acid change has been previously reported as pathogenic/likely pathogenic with strong evidence (ClinVar ID: VCV000421594 /3billion dataset). Therefore, this variant is classified as Likely pathogenic according to the recommendation of ACMG/AMP guideline.

Ambry Genetics
Classification: Uncertain significance for Inborn genetic diseases. Last evaluated: 2025-04-29. Review status: criteria provided, single submitter. Criteria: Ambry Variant Classification Scheme 2023. Collection method: clinical testing. Allele origin: germline.
Comment: The c.28C>T (p.R10W) alteration is located in exon 2 (coding exon 2) of the AP2S1 gene. This alteration results from a C to T substitution at nucleotide position 28, causing the arginine (R) at amino acid position 10 to be replaced by a tryptophan (W). This variant was not reported in population-based cohorts in the Genome Aggregation Database (gnomAD). This variant was reported in individual(s) with neurodevelopmental disorders; in at least one individual, it was determined to be de novo (Kaplanis, 2020; Satterstrom, 2020; Fu, 2022; NCBI ClinVar). Add to report references list: National Center for Biotechnology Information. ClinVar; [VCV000421594.39], (accessed April 25, 2025). This amino acid position is highly conserved in available vertebrate species. This alteration is predicted to be deleterious by in silico analysis. Based on insufficient or conflicting evidence, the clinical significance of this alteration remains unclear.

Blueprint Genetics
Classification: Uncertain significance. Last evaluated: 2023-08-07. Review status: criteria provided, single submitter. Criteria: ACMG Guidelines, 2015. Collection method: clinical testing. Allele origin: germline.

CeGaT Center for Human Genetics Tuebingen
Classification: Uncertain significance. Last evaluated: 2023-08-01. Review status: criteria provided, single submitter. Criteria: CeGaT Center For Human Genetics Tuebingen Variant Classification Criteria Version 2. Collection method: clinical testing. Allele origin: germline. Affected: yes. Observed: 5 variant alleles.
Comment: AP2S1: PM2, PP2

PreventionGenetics, part of Exact Sciences
Classification: Likely pathogenic for AP2S1-related condition. Last evaluated: 2023-06-06. Review status: criteria provided, single submitter. Criteria: ACMG Guidelines, 2015. Collection method: clinical testing. Allele origin: germline.
Comment: The AP2S1 c.28C>T variant is predicted to result in the amino acid substitution p.Arg10Trp. This variant was reported to occur de novo in an individual with autism spectrum disorder (Supp. Table 1, de novo variants in Satterstrom et al 2020. PubMed ID: 31981491). At PreventionGenetics, we have observed this variant in two individuals with developmental delays, intellectual disability, seizures and other neurodevelopmental features and in both cases the variant was found to occur de novo (internal data). An outside laboratory reports this variant occurring de novo in patients with neurodevelopmental phenotypes, but additional details were not provided. This variant has not been reported in a large population database, indicating this variant is rare. This variant is interpreted as likely pathogenic.

Laboratory of Molecular Genetics (Pr. Bezieau's lab), CHU de Nantes
Classification: Likely pathogenic for Neurodevelopmental disorder. Last evaluated: 2021-02-26. Review status: criteria provided, single submitter. Criteria: ACMG Guidelines, 2015. Collection method: clinical testing. Allele origin: germline. Affected: yes.

Baylor Genetics
Classification: Uncertain significance for Familial hypocalciuric hypercalcemia 3. Last evaluated: 2019-05-20. Review status: criteria provided, single submitter. Criteria: ACMG Guidelines, 2015. Collection method: clinical testing. Allele origin: de novo. Affected: yes.
Comment: This variant was determined to be of uncertain significance according to ACMG Guidelines, 2015 [PMID:25741868].

Department of Clinical Genetics, Aarhus University Hospital
Classification: Pathogenic for AP2S1-associated neurodevelopmental disease. Review status: criteria provided, single submitter. Criteria: ACMG Guidelines, 2015. Collection method: clinical testing. Allele origin: de novo. Inheritance: Autosomal dominant inheritance. Affected: yes.
Comment: This variant is reported as de novo in 20 patients with an NDD in "Stevenson M. et al., medrxiv, 2024", and in 5 patients i ClinVar VCV000421594.48. The variant is not in gnomAD v4.1.

Literature cited by the submitters: PubMed 31981491 (cited by Ambry Genetics); PubMed 33057194 (cited by Ambry Genetics); PubMed 35982159 (cited by Ambry Genetics); PubMed 35982160 (cited by Ambry Genetics).

NM_004069.6(AP2S1):c.28C>T (p.Arg10Trp)

Gene: AP2S1 (adaptor related protein complex 2 subunit sigma 1; minus strand). Cytogenetic location: 19q13.32.
Variant type: single nucleotide variant.
Coding change: c.28C>T on transcript NM_004069.6 (MANE Select); coding-DNA position 28, C replaced by T.
Protein change: p.Arg10Trp; replaces arginine 10 with tryptophan.
Molecular consequence: missense variant.
Genome position (GRCh38, 1-based): chr19:46,846,118, G>A on the plus strand (C>T on the coding strand, the complement: AP2S1 is on the minus strand). VCF-style: chr19-46846118-G-A. GRCh37 (hg19) VCF-style: chr19-47349375-G-A.
Other names: c.76C>T, p.Arg26Trp (NM_001301076.3); c.28C>T, p.Arg10Trp (NM_001301078.3, NM_021575.5); c.34C>T, p.Arg12Trp (NM_001301081.3); short protein forms R10W, R12W, R26W.
Identifiers: ClinVar variation 421594 (VCV000421594.54), dbSNP rs1064795235, ClinGen allele CA16620866.